The following is an entry in ClinVar:

ClinVar aggregate classification (germline): Benign. Review status: criteria provided, multiple submitters, no conflicts (2 of 4 stars). 18 submissions from 18 submitters: Benign (10). 8 of the submissions do not count toward it. Last evaluated 2026-02-04.

Conditions:
Niemann-Pick disease, type C1. Also called: NEUROVISCERAL STORAGE DISEASE WITH VERTICAL SUPRANUCLEAR OPHTHALMOPLEGIA; NIEMANN-PICK DISEASE WITH CHOLESTEROL ESTERIFICATION BLOCK; NIEMANN-PICK DISEASE WITHOUT SPHINGOMYELINASE DEFICIENCY; NIEMANN-PICK DISEASE, CHRONIC NEURONOPATHIC FORM; NIEMANN-PICK DISEASE, VARIANT TYPE C1. Identifiers: Orphanet 646, MedGen C3179455, MONDO:0009757, OMIM 257220.

Allele frequency attached by ClinVar (database versions not stated): ESP Exome Variant Server 0.44203; gnomAD 0.45824; TOPMed 0.46669; 1000 Genomes Project 30x 0.48157; 1000 Genomes Project 0.48403; gnomAD exomes 0.48901 and 0.49857; ExAC 0.49018.
gnomAD v4.1: 783,703 of 1,613,394 alleles (49%); highest among the groups gnomAD compares: East Asian, 65%; 193,282 homozygotes.

Submissions (18):

Labcorp Genetics (formerly Invitae), Labcorp
Classification: Benign for Niemann-Pick disease, type C1. Last evaluated: 2026-02-04. Review status: criteria provided, single submitter. Criteria: Invitae Variant Classification Sherloc (09022015). Collection method: clinical testing. Allele origin: germline.

Laboratory of Genetics, Children's Clinical University Hospital Latvia
Classification: Benign. Last evaluated: 2025-02-16. Review status: criteria provided, single submitter. Criteria: ACMG Guidelines, 2015. Collection method: clinical testing. Allele origin: germline. Affected: yes.

Blueprint Genetics
Classification: Benign. Last evaluated: 2024-11-28. Review status: criteria provided, single submitter. Criteria: ACMG Guidelines, 2015. Collection method: clinical testing. Allele origin: germline.

Genome-Nilou Lab
Classification: Benign for Niemann-Pick disease, type C1. Last evaluated: 2021-06-10. Review status: criteria provided, single submitter. Criteria: ACMG Guidelines, 2015. Collection method: clinical testing. Allele origin: germline. Affected: no.

Illumina Laboratory Services, Illumina
Classification: Benign for Niemann-Pick disease type C1. Last evaluated: 2018-01-13. Review status: criteria provided, single submitter. Criteria: ICSL Variant Classification Criteria 13 December 2019. Collection method: clinical testing. Allele origin: germline.
Comment: This variant was observed in the ICSL laboratory as part of a predisposition screen in an ostensibly healthy population. It had not been previously curated by ICSL or reported in the Human Gene Mutation Database (HGMD: prior to June 1st, 2018), and was therefore a candidate for classification through an automated scoring system. Utilizing variant allele frequency, disease prevalence and penetrance estimates, and inheritance mode, an automated score was calculated to assess if this variant is too frequent to cause the disease. Based on the score and internal cut-off values, a variant classified as benign is not then subjected to further curation. The score for this variant resulted in a classification of benign for this disease.

Clinical Genetics DNA and cytogenetics Diagnostics Lab, Erasmus MC, Erasmus Medical Center
Classification: Benign for Niemann-Pick disease, type C1. Last evaluated: 2015-09-21. Review status: criteria provided, single submitter. Criteria: ACGS Guidelines, 2013. Collection method: clinical testing. Allele origin: germline. Affected: yes. Study: VKGL Data-share Consensus.

Eurofins Ntd Llc (ga)
Classification: Benign. Last evaluated: 2015-07-24. Review status: criteria provided, single submitter. Criteria: EGL Classification Definitions 2015. Collection method: clinical testing. Allele origin: germline. Observed: 81 variant alleles, 52 heterozygotes, 29 homozygotes.

GeneDx
Classification: Benign. Last evaluated: 2015-03-03. Review status: criteria provided, single submitter. Criteria: GeneDx Variant Classification Process June 2021. Collection method: clinical testing. Allele origin: germline. Affected: yes.

Breakthrough Genomics
Classification: Benign. Review status: criteria provided, single submitter. Criteria: ACMG Guidelines, 2015. Collection method: not provided. Allele origin: germline. Inheritance: Autosomal recessive inheritance. Affected: yes.

PreventionGenetics, part of Exact Sciences
Classification: Benign. Review status: criteria provided, single submitter. Criteria: ACMG Guidelines, 2015. Collection method: clinical testing. Allele origin: germline.

Natera, Inc.
Classification: Benign for Niemann-Pick disease type C1. Last evaluated: 2019-11-19. Review status: no assertion criteria provided. Collection method: clinical testing. Allele origin: germline. Not counted in ClinVar's aggregate classification.

Genome Diagnostics Laboratory, Amsterdam University Medical Center
Classification: Benign for Niemann-Pick disease, type C1. Last evaluated: 2016-04-22. Review status: no assertion criteria provided. Criteria: ACGS Guidelines, 2013. Collection method: clinical testing. Allele origin: germline. Affected: yes. Study: VKGL Data-share Consensus. Not counted in ClinVar's aggregate classification.

Mayo Clinic Laboratories, Mayo Clinic
Classification: Benign. Last evaluated: 2015-10-21. Review status: no assertion criteria provided. Collection method: clinical testing. Allele origin: unknown. Not counted in ClinVar's aggregate classification.

Clinical Genetics, Academic Medical Center
Classification: Benign. Review status: no assertion criteria provided. Collection method: clinical testing. Allele origin: germline. Affected: yes. Study: VKGL Data-share Consensus. Not counted in ClinVar's aggregate classification.

Diagnostic Laboratory, Department of Genetics, University Medical Center Groningen
Classification: Benign for Niemann-Pick disease, type C1. Review status: no assertion criteria provided. Collection method: clinical testing. Allele origin: germline. Affected: yes. Study: VKGL Data-share Consensus. Not counted in ClinVar's aggregate classification.

GeneReviews
No classification provided. Condition: Niemann-Pick disease, type C1. Review status: no classification provided. Collection method: literature only. Allele origin: unknown. Not counted in ClinVar's aggregate classification.

Genetic Services Laboratory, University of Chicago
Classification: Likely benign for AllHighlyPenetrant. Review status: no assertion criteria provided. Collection method: clinical testing. Allele origin: germline. Inheritance: Autosomal recessive inheritance. Not counted in ClinVar's aggregate classification.
Comment: Likely benign based on allele frequency in 1000 Genomes Project or ESP global frequency and its presence in a patient with a rare or unrelated disease phenotype. NOT Sanger confirmed.

Joint Genome Diagnostic Labs from Nijmegen and Maastricht, Radboudumc and MUMC+
Classification: Benign. Review status: no assertion criteria provided. Collection method: clinical testing. Allele origin: germline. Affected: yes. Study: VKGL Data-share Consensus. Not counted in ClinVar's aggregate classification.

Literature cited by the submitters: PubMed 20301473 (cited by GeneReviews); NCBI Bookshelf NBK1296 (cited by GeneReviews).

NM_000271.5(NPC1):c.2793C>T (p.Asn931=)

Gene: NPC1 (NPC intracellular cholesterol transporter 1; minus strand). Cytogenetic location: 18q11.2.
Variant type: single nucleotide variant.
Coding change: c.2793C>T on transcript NM_000271.5 (MANE Select); coding-DNA position 2793, C replaced by T.
Protein change: p.Asn931=; no amino-acid change (asparagine 931 retained).
Molecular consequence: synonymous variant.
Genome position (GRCh38, 1-based): chr18:23,539,813, G>A on the plus strand (C>T on the coding strand, the complement: NPC1 is on the minus strand). VCF-style: chr18-23539813-G-A. GRCh37 (hg19) VCF-style: chr18-21119777-G-A.
Identifiers: ClinVar variation 21136 (VCV000021136.38), dbSNP rs1140458, ClinGen allele CA145959.